The following is an entry in ClinVar:

NM_000444.6(PHEX):c.1767_1768+3del

Genes: PHEX (phosphate regulating endopeptidase X-linked; plus strand), PTCHD1-AS (PTCHD1 and PHEX antisense RNA; minus strand). Cytogenetic location: Xp22.11.
Variant type: Deletion.
Coding change: c.1767_1768+3del on transcript NM_000444.6 (MANE Select); coding-DNA position 1767 through 3 bases into the intron after coding-DNA position 1768, 5 bases deleted (TGGTA; older notation c.1767_1768+3delTGGTA).
Molecular consequence: splice donor variant.
Genome position (GRCh38, 1-based): chrX:22,219,102-22,219,106, TGGTA deleted; deleting any 5 consecutive bases within chrX:22,219,101-22,219,106 gives the same sequence; the c. name uses the placement nearest the transcript's 3' end. VCF-style (leftmost placement, unchanged base first): chrX-22219100-AATGGT-A. GRCh37 (hg19) VCF-style: chrX-22237217-AATGGT-A.
Other names: c.1767_1768+3del (NM_001282754.2).
Identifiers: ClinVar variation 2811467 (VCV002811467.3), dbSNP rs2518660315, ClinGen allele CA2739268117.

ClinVar aggregate classification (germline): Likely pathogenic (1 of 4 stars; one submission).

Submission:

Labcorp Genetics (formerly Invitae), Labcorp
Classification: Likely pathogenic. Last evaluated: 2022-11-08. Review status: criteria provided, single submitter. Criteria: Invitae Variant Classification Sherloc (09022015). Collection method: clinical testing. Allele origin: germline.
Comment: In summary, the currently available evidence indicates that the variant is pathogenic, but additional data are needed to prove that conclusively. Therefore, this variant has been classified as Likely Pathogenic. Algorithms developed to predict the effect of sequence changes on RNA splicing suggest that this variant may disrupt the consensus splice site. This variant has not been reported in the literature in individuals affected with PHEX-related conditions. This variant is not present in population databases (gnomAD no frequency). This variant results in the deletion of part of exon 17 (c.1767_1768+3del) of the PHEX gene. It is expected to disrupt RNA splicing. Variants that disrupt the donor or acceptor splice site typically lead to a loss of protein function (PMID: 16199547), and loss-of-function variants in PHEX are known to be pathogenic (PMID: 9097956, 9106524, 19219621).

Literature cited by the submitters: PubMed 16199547; PubMed 9097956; PubMed 9106524; PubMed 19219621.